The following is an entry in ClinVar:

ClinVar aggregate classification (germline): Uncertain significance. Review status: criteria provided, multiple submitters, no conflicts (2 of 4 stars). 2 submissions from 2 submitters: Uncertain significance (2). Last evaluated 2025-09-08.

Conditions:
Episodic kinesigenic dyskinesia (EKD). Also called: Paroxysmal kinesigenic dyskinesia. Identifiers: Orphanet 98809, MedGen C1868682, MONDO:0044202.

Submissions (2):

Labcorp Genetics (formerly Invitae), Labcorp
Classification: Uncertain significance for Episodic kinesigenic dyskinesia. Last evaluated: 2025-09-08. Review status: criteria provided, single submitter. Criteria: Invitae Variant Classification Sherloc (09022015). Collection method: clinical testing. Allele origin: germline.
Comment: This sequence change replaces isoleucine, which is neutral and non-polar, with valine, which is neutral and non-polar, at codon 329 of the PRRT2 protein (p.Ile329Val). This variant is not present in population databases (gnomAD no frequency). This variant has not been reported in the literature in individuals affected with PRRT2-related conditions. ClinVar contains an entry for this variant (Variation ID: 1186731). Invitae Evidence Modeling of protein sequence and biophysical properties (such as structural, functional, and spatial information, amino acid conservation, physicochemical variation, residue mobility, and thermodynamic stability) indicates that this missense variant is not expected to disrupt PRRT2 protein function with a negative predictive value of 95%. In summary, the available evidence is currently insufficient to determine the role of this variant in disease. Therefore, it has been classified as a Variant of Uncertain Significance.

GeneDx
Classification: Uncertain significance. Last evaluated: 2019-07-03. Review status: criteria provided, single submitter. Criteria: GeneDx Variant Classification Process June 2021. Collection method: clinical testing. Allele origin: germline. Affected: yes.
Comment: Not observed in large population cohorts (Lek et al., 2016); In silico analysis, which includes protein predictors and evolutionary conservation, supports that this variant does not alter protein structure/function; Has not been previously published as pathogenic or benign to our knowledge

NM_145239.3(PRRT2):c.985A>G (p.Ile329Val)

Genes: MVP-DT (MVP divergent transcript; minus strand), PRRT2 (proline rich transmembrane protein 2; plus strand). Cytogenetic location: 16p11.2.
Variant type: single nucleotide variant.
Coding change: c.985A>G on transcript NM_145239.3 (MANE Select); coding-DNA position 985, A replaced by G.
Protein change: p.Ile329Val; replaces isoleucine 329 with valine.
Molecular consequence: missense variant. On other transcripts: 3 prime UTR variant (1).
Genome position (GRCh38, 1-based): chr16:29,814,438, A>G. VCF-style: chr16-29814438-A-G. GRCh37 (hg19) VCF-style: chr16-29825759-A-G.
Other names: c.985A>G, p.Ile329Val (NM_001256442.2); c.*484A>G (NM_001256443.2); short protein forms I329V.
Identifiers: ClinVar variation 1186731 (VCV001186731.10), dbSNP rs2142429495, ClinGen allele CA395480787.